The following is an entry in ClinVar:

ClinVar aggregate classification (germline): Uncertain significance (1 of 4 stars; one submission).

gnomAD v4.1: 2 of 1,613,420 alleles (0.00012%); no homozygotes.

Submission:

Ambry Genetics
Classification: Uncertain significance. Last evaluated: 2024-03-30. Review status: criteria provided, single submitter. Criteria: Ambry Variant Classification Scheme 2023. Collection method: clinical testing. Allele origin: germline.
Comment: The p.N1130K variant (also known as c.3390T>G), located in coding exon 16 of the POLQ gene, results from a T to G substitution at nucleotide position 3390. The asparagine at codon 1130 is replaced by lysine, an amino acid with similar properties. This amino acid position is conserved. In addition, this alteration is predicted to be tolerated by in silico analysis. Since supporting evidence is limited at this time, the clinical significance of this alteration remains unclear.

NM_199420.4(POLQ):c.3390T>G (p.Asn1130Lys)

Gene: POLQ (DNA polymerase theta; minus strand). Cytogenetic location: 3q13.33.
Variant type: single nucleotide variant.
Coding change: c.3390T>G on transcript NM_199420.4 (MANE Select); coding-DNA position 3390, T replaced by G.
Protein change: p.Asn1130Lys; replaces asparagine 1130 with lysine.
Molecular consequence: missense variant.
Genome position (GRCh38, 1-based): chr3:121,489,541, A>C on the plus strand (T>G on the coding strand, the complement: POLQ is on the minus strand). VCF-style: chr3-121489541-A-C. GRCh37 (hg19) VCF-style: chr3-121208388-A-C.
Other names: short protein forms N1130K.
Identifiers: ClinVar variation 1730911 (VCV001730911.3), dbSNP rs779774025, ClinGen allele CA354100315.